The following is an entry in ClinVar:

ClinVar aggregate classification (germline): Uncertain significance (1 of 4 stars; one submission).

Submission:

Labcorp Genetics (formerly Invitae), Labcorp
Classification: Uncertain significance. Last evaluated: 2025-09-28. Review status: criteria provided, single submitter. Criteria: Invitae Variant Classification Sherloc (09022015). Collection method: clinical testing. Allele origin: germline.
Comment: This sequence change replaces arginine, which is basic and polar, with lysine, which is basic and polar, at codon 274 of the PODXL protein (p.Arg274Lys). This variant is present in population databases (rs770821476, gnomAD 0.006%). This variant has not been reported in the literature in individuals affected with PODXL-related conditions. ClinVar contains an entry for this variant (Variation ID: 3627810). An algorithm developed to predict the effect of missense changes on protein structure and function (PolyPhen-2) suggests that this variant is likely to be tolerated. In summary, the available evidence is currently insufficient to determine the role of this variant in disease. Therefore, it has been classified as a Variant of Uncertain Significance.

NM_001018111.3(PODXL):c.917G>A (p.Arg306Lys)

Gene: PODXL (podocalyxin like; minus strand). Cytogenetic location: 7q32.3.
Variant type: single nucleotide variant.
Coding change: c.917G>A on transcript NM_001018111.3 (MANE Select); coding-DNA position 917, G replaced by A.
Protein change: p.Arg306Lys; replaces arginine 306 with lysine.
Molecular consequence: missense variant.
Genome position (GRCh38, 1-based): chr7:131,509,471, C>T on the plus strand (G>A on the coding strand, the complement: PODXL is on the minus strand). VCF-style: chr7-131509471-C-T. GRCh37 (hg19) VCF-style: chr7-131194230-C-T.
Other names: c.821G>A, p.Arg274Lys (NM_005397.4); short protein forms R274K, R306K.
Identifiers: ClinVar variation 3627810 (VCV003627810.2).